The following is an entry in ClinVar:

ClinVar aggregate classification (germline): Uncertain significance. Review status: criteria provided, multiple submitters, no conflicts (2 of 4 stars). 3 submissions from 3 submitters: Uncertain significance (3). Last evaluated 2018-10-31.

Conditions:
Autosomal recessive nonsyndromic hearing loss 49. Also called: Deafness, neurosensory, autosomal recessive 49. Identifiers: Orphanet 90636, MedGen C1857811, MONDO:0012420, OMIM 610153.

Allele frequency attached by ClinVar (database versions not stated): ExAC 0.00005; gnomAD 0.00005 and 0.00006; ESP Exome Variant Server 0.00008; TOPMed 0.00009; 1000 Genomes Project 0.00020; 1000 Genomes Project 30x 0.00031.

Submissions (3):

Fulgent Genetics
Classification: Uncertain significance for Autosomal recessive nonsyndromic hearing loss 49. Last evaluated: 2018-10-31. Review status: criteria provided, single submitter. Criteria: ACMG Guidelines, 2015. Collection method: clinical testing. Allele origin: unknown.

Laboratory for Molecular Medicine, Mass General Brigham Personalized Medicine
Classification: Uncertain significance. Last evaluated: 2016-08-04. Review status: criteria provided, single submitter. Criteria: LMM Criteria. Collection method: clinical testing. Allele origin: germline. Observed: 1 variant allele.
Comment: The p.Arg39Trp variant in MARVELD2 has not been previously reported in individua ls with hearing loss, but it has been identified in 2/10400 African chromosomes and in 3/66714 European chromosomes by the Exome Aggregation Consortium (ExAC; dbSNP rs145027254). Although this variant has bee n seen in the general population, its frequency is not high enough to rule out a pathogenic role. Computational prediction tools and conservation analyses sugge st that this variant may not impact the protein, though this information is not predictive enough to rule out pathogenicity. In summary, the clinical significan ce of the p.Arg39Trp variant is uncertain.

Breakthrough Genomics
Classification: Uncertain significance. Review status: criteria provided, single submitter. Criteria: ACMG Guidelines, 2015. Collection method: not provided. Allele origin: germline. Inheritance: Autosomal recessive inheritance. Affected: yes.

NM_001038603.3(MARVELD2):c.115C>T (p.Arg39Trp)

Gene: MARVELD2 (MARVEL domain containing 2; plus strand). Cytogenetic location: 5q13.2.
Variant type: single nucleotide variant.
Coding change: c.115C>T on transcript NM_001038603.3 (MANE Select); coding-DNA position 115, C replaced by T.
Protein change: p.Arg39Trp; replaces arginine 39 with tryptophan.
Molecular consequence: missense variant.
Genome position (GRCh38, 1-based): chr5:69,419,500, C>T. VCF-style: chr5-69419500-C-T. GRCh37 (hg19) VCF-style: chr5-68715327-C-T.
Other names: c.115C>T, p.Arg39Trp (NM_001244734.2); short protein forms R39W.
Identifiers: ClinVar variation 504612 (VCV000504612.6), dbSNP rs145027254, ClinGen allele CA3293966.